The following is an entry in ClinVar:

ClinVar aggregate classification (germline): Benign/Likely benign. Review status: criteria provided, multiple submitters, no conflicts (2 of 4 stars). 2 submissions from 2 submitters: Benign (1); Likely benign (1). Last evaluated 2024-03-15.

Conditions:
Hereditary cancer-predisposing syndrome. Also called: Tumor predisposition; Hereditary Cancer Syndrome; Neoplastic Syndromes, Hereditary; Hereditary neoplastic syndrome. Identifiers: Orphanet 140162, MedGen C0027672, MeSH D009386, MONDO:0015356.
Familial adenomatous polyposis 1 (FAP1). Also called: FAMILIAL ADENOMATOUS POLYPOSIS 1, ATTENUATED; POLYPOSIS, ADENOMATOUS INTESTINAL. Identifiers: MedGen C2713442, MONDO:0021056, OMIM 175100. Disease mechanism: loss of function.

Allele frequency attached by ClinVar (database versions not stated): gnomAD exomes below 0.00001.
gnomAD v4.1: 1 of 1,614,200 alleles (0.000062%); highest among the groups gnomAD compares: South Asian, 0.0011%; no homozygotes.

Submissions (2):

Myriad Genetics, Inc.
Classification: Benign for Familial adenomatous polyposis 1. Last evaluated: 2024-03-15. Review status: criteria provided, single submitter. Criteria: Myriad Autosomal Dominant, Autosomal Recessive and X-Linked Classification Criteria (2023). Collection method: clinical testing. Allele origin: unknown.
Comment: This variant is considered benign. This variant is a silent/synonymous amino acid change and it is not expected to impact splicing.

Ambry Genetics
Classification: Likely benign for Hereditary cancer-predisposing syndrome. Last evaluated: 2019-12-15. Review status: criteria provided, single submitter. Criteria: Ambry Variant Classification Scheme 2023. Collection method: clinical testing. Allele origin: germline.

NM_000038.6(APC):c.2734T>C (p.Leu912=)

Gene: APC (APC regulator of Wnt signaling pathway; plus strand). Cytogenetic location: 5q22.2.
Variant type: single nucleotide variant.
Coding change: c.2734T>C on transcript NM_000038.6 (MANE Select); coding-DNA position 2734, T replaced by C.
Protein change: p.Leu912=; no amino-acid change (leucine 912 retained).
Molecular consequence: synonymous variant. On other transcripts: non-coding transcript variant (2).
Genome position (GRCh38, 1-based): chr5:112,838,328, T>C. VCF-style: chr5-112838328-T-C. GRCh37 (hg19) VCF-style: chr5-112174025-T-C.
Other names: c.2734T>C, p.Leu912= (NM_001127510.3, NM_001354895.2, NM_001407450.1); c.2680T>C, p.Leu894= (NM_001127511.3); c.2788T>C, p.Leu930= (NM_001354896.2, NM_001407447.1, NM_001407448.1 and 1 more transcripts); c.2764T>C, p.Leu922= (NM_001354897.2); c.2659T>C, p.Leu887= (NM_001354898.2); c.2650T>C, p.Leu884= (NM_001354899.2); c.2611T>C, p.Leu871= (NM_001354900.2); c.2557T>C, p.Leu853= (NM_001354901.2, NM_001407453.1); and 11 more.
Identifiers: ClinVar variation 1795323 (VCV001795323.2), dbSNP rs1389210454, ClinGen allele CA445962836.